The following is an entry in ClinVar:

NM_080473.5(GATA5):c.56C>G (p.Ser19Trp)

Gene: GATA5 (GATA binding protein 5; minus strand). Cytogenetic location: 20q13.33.
Variant type: single nucleotide variant.
Coding change: c.56C>G on transcript NM_080473.5 (MANE Select); coding-DNA position 56, C replaced by G.
Protein change: p.Ser19Trp; replaces serine 19 with tryptophan.
Molecular consequence: missense variant.
Genome position (GRCh38, 1-based): chr20:62,475,466, G>C on the plus strand (C>G on the coding strand, the complement: GATA5 is on the minus strand). VCF-style: chr20-62475466-G-C. GRCh37 (hg19) VCF-style: chr20-61050522-G-C.
Other names: short protein forms S19W.
Identifiers: ClinVar variation 809265 (VCV000809265.58), dbSNP rs200383755, ClinGen allele CA9946336.
Genomic context (GRCh38, chr20:62,475,466, plus strand): 5'-ACGCGCGCCGGCGGCACAAACATCGGAGAGCCGGCGCCCGGAGCGTGCAGGAAGGAGCCC[G>C]AGTCGGCGTAGGCGGCCTGGCGGGGGCTCGCGGCCAGCGCCAGGCTCTGGTACATCCTCC-3'
Protein context (NP_536721.1, residues 9-29): ASPRQAAYAD[Ser19Trp]GSFLHAPGAG

ClinVar aggregate classification (germline): Conflicting classifications of pathogenicity. Review status: criteria provided, conflicting classifications (1 of 4 stars). 8 submissions from 8 submitters: Uncertain significance (1); Likely benign (4). 3 of the submissions do not count toward it. Last evaluated 2026-02-03.

Conditions:
Congenital heart defects, multiple types, 5. Identifiers: MedGen C4693563, MONDO:0060663, OMIM 617912.
GATA5-related disorder. Also called: GATA5-related condition.

Allele frequency attached by ClinVar (database versions not stated): 1000 Genomes Project 0.00060; 1000 Genomes Project 30x 0.00078; gnomAD 0.00302 and 0.00291; gnomAD exomes 0.00341; TOPMed 0.00273; ExAC 0.02069.

Submissions (8):

Labcorp Genetics (formerly Invitae), Labcorp
Classification: Likely benign. Last evaluated: 2026-02-03. Review status: criteria provided, single submitter. Criteria: Invitae Variant Classification Sherloc (09022015). Collection method: clinical testing. Allele origin: germline.

CeGaT Center for Human Genetics Tuebingen
Classification: Likely benign. Last evaluated: 2026-02-01. Review status: criteria provided, single submitter. Criteria: CeGaT Center For Human Genetics Tuebingen Variant Classification Criteria Version 2. Collection method: clinical testing. Allele origin: germline. Affected: yes. Observed: 10 variant alleles.
Comment: GATA5: PP2, PP3, BS2

Blueprint Genetics
Classification: Likely benign. Last evaluated: 2024-11-18. Review status: criteria provided, single submitter. Criteria: ACMG Guidelines, 2015. Collection method: clinical testing. Allele origin: germline.

Victorian Clinical Genetics Services, Murdoch Childrens Research Institute
Classification: Uncertain significance for Congenital heart defects, multiple types, 5. Last evaluated: 2022-03-31. Review status: criteria provided, single submitter. Criteria: ACMG Guidelines, 2015. Collection method: clinical testing. Allele origin: germline. Affected: yes.
Comment: Based on the classification scheme VCGS_Germline_v1.3.4, this variant is classified as VUS-3B. Following criteria are met: 0103 - Dominant negative and loss of function are known mechanisms of disease in this gene and are associated with congenital heart defects, multiple types, 5 (MIM#617912) (PMID: 28180938, PMID: 25543888). (I) 0108 - This gene is associated with both recessive and dominant disease (OMIM). (I) 0200 - Variant is predicted to result in a missense amino acid change from serine to tryptophan. (I) 0251 - This variant is heterozygous. (I) 0304 - Variant is present in gnomAD (v3) <0.01 for a condition (434 heterozygotes, 0 homozygotes). (SP) 0501 - Missense variant consistently predicted to be damaging by multiple in silico tools or highly conserved with a major amino acid change. (SP) 0600 - Variant is located in the annotated transription activation domain 1 (PMID: 22641149). (I) 0705 - No comparable missense variants have previous evidence for pathogenicity. (I) 0808 - Previous reports of pathogenicity for this variant are conflicting. This variant has been reported as likely benign and as a VUS (ClinVar, LOVD), and has been observed in at least four heterozygous individuals with bicuspid aortic valve, atrial septal defect, tetralogy of fallot or pituitary stalk interruption syndrome, but also observed in control cohorts or inherited from healthy parents. It has also been observed in a compound heterozygous child with hydrops fetalis, congenital heart defects and genital anomalies (PMID: 22641149, PMID: 28180938, PMID: 27066509, PMID: 28074886, PMID: 33270637). (I) 0905 - No published segregation evidence has been identified for this variant. (I) 1002 - This variant has moderate functional evidence supporting abnormal protein function. This variant failed to rescue a zebrafish knockdown and resulted in protein mislocalization in transfected HEK293 cells (PMID: 28180938). (I) Legend: (SP) - Supporting pathogenic, (I) - Information, (SB) - Supporting benign

GeneDx
Classification: Likely benign. Last evaluated: 2020-06-18. Review status: criteria provided, single submitter. Criteria: GeneDx Variant Classification Process June 2021. Collection method: clinical testing. Allele origin: germline. Affected: yes.
Comment: Reported in a patient with multiple congenital heart defects and other congenital anomalies who harbored an additional GATA5 variant; the S19W variant was inherited from the proband's unaffected father (Hempel et al., 2017) Reported in a patient with bicuspid aortic valve (Padang et al., 2012) In silico analysis, which includes protein predictors and evolutionary conservation, supports a deleterious effect This variant is associated with the following publications: (PMID: 30410027, 28074886, 28180938, 22641149)

PreventionGenetics, part of Exact Sciences
Classification: Likely benign for GATA5-related condition. Last evaluated: 2022-04-28. Review status: no assertion criteria provided. Collection method: clinical testing. Allele origin: germline. Not counted in ClinVar's aggregate classification.
Comment: This variant is classified as likely benign based on ACMG/AMP sequence variant interpretation guidelines (Richards et al. 2015 PMID: 25741868, with internal and published modifications).

Clinical Genetics DNA and cytogenetics Diagnostics Lab, Erasmus MC, Erasmus Medical Center
Classification: Uncertain significance. Review status: no assertion criteria provided. Collection method: clinical testing. Allele origin: germline. Affected: yes. Study: VKGL Data-share Consensus. Not counted in ClinVar's aggregate classification.

Diagnostic Laboratory, Department of Genetics, University Medical Center Groningen
Classification: Uncertain significance. Review status: no assertion criteria provided. Collection method: clinical testing. Allele origin: germline. Affected: yes. Study: VKGL Data-share Consensus. Not counted in ClinVar's aggregate classification.

Literature cited by the submitters: PubMed 22641149 (cited by Victorian Clinical Genetics Services, Murdoch Childrens Research Institute); PubMed 25543888 (cited by Victorian Clinical Genetics Services, Murdoch Childrens Research Institute); PubMed 27066509 (cited by Victorian Clinical Genetics Services, Murdoch Childrens Research Institute); PubMed 28074886 (cited by Victorian Clinical Genetics Services, Murdoch Childrens Research Institute); PubMed 28180938 (cited by Victorian Clinical Genetics Services, Murdoch Childrens Research Institute); PubMed 33270637 (cited by Victorian Clinical Genetics Services, Murdoch Childrens Research Institute).